The following is an entry in ClinVar:

NM_001698.3(AUH):c.526A>G (p.Ile176Val)

Gene: AUH (AU RNA binding methylglutaconyl-CoA hydratase; minus strand). Cytogenetic location: 9q22.31.
Variant type: single nucleotide variant.
Coding change: c.526A>G on transcript NM_001698.3 (MANE Select); coding-DNA position 526, A replaced by G.
Protein change: p.Ile176Val; replaces isoleucine 176 with valine.
Molecular consequence: missense variant.
Genome position (GRCh38, 1-based): chr9:91,298,056, T>C on the plus strand (A>G on the coding strand, the complement: AUH is on the minus strand). VCF-style: chr9-91298056-T-C. GRCh37 (hg19) VCF-style: chr9-94060338-T-C.
Other names: c.439A>G, p.Ile147Val (NM_001306190.2); c.199A>G, p.Ile67Val (NM_001351431.2, NM_001351432.2, NM_001351433.2); short protein forms I176V, I147V, I67V.
Identifiers: ClinVar variation 1989657 (VCV001989657.4), dbSNP rs1347849457, ClinGen allele CA373836976.

ClinVar aggregate classification (germline): Uncertain significance (1 of 4 stars; one submission).

Conditions:
3-methylglutaconic aciduria type 1 (MGCA1). Identifiers: Orphanet 67046, MedGen C0342727, MONDO:0009610, OMIM 250950.

Allele frequency attached by ClinVar (database versions not stated): TOPMed 0.00001.

Submission:

Labcorp Genetics (formerly Invitae), Labcorp
Classification: Uncertain significance for 3-methylglutaconic aciduria type 1. Last evaluated: 2024-05-15. Review status: criteria provided, single submitter. Criteria: Invitae Variant Classification Sherloc (09022015). Collection method: clinical testing. Allele origin: germline.
Comment: This sequence change replaces isoleucine, which is neutral and non-polar, with valine, which is neutral and non-polar, at codon 176 of the AUH protein (p.Ile176Val). This variant is not present in population databases (gnomAD no frequency). This variant has not been reported in the literature in individuals affected with AUH-related conditions. ClinVar contains an entry for this variant (Variation ID: 1989657). Advanced modeling of protein sequence and biophysical properties (such as structural, functional, and spatial information, amino acid conservation, physicochemical variation, residue mobility, and thermodynamic stability) performed at Invitae indicates that this missense variant is not expected to disrupt AUH protein function with a negative predictive value of 80%. In summary, the available evidence is currently insufficient to determine the role of this variant in disease. Therefore, it has been classified as a Variant of Uncertain Significance.